The following is an entry in ClinVar:

NM_002582.4(PARN):c.1175C>G (p.Ser392Cys)

Gene: PARN (poly(A)-specific ribonuclease; minus strand). Cytogenetic location: 16p13.12.
Variant type: single nucleotide variant.
Coding change: c.1175C>G on transcript NM_002582.4 (MANE Select); coding-DNA position 1175, C replaced by G.
Protein change: p.Ser392Cys; replaces serine 392 with cysteine.
Molecular consequence: missense variant.
Genome position (GRCh38, 1-based): chr16:14,582,198, G>C on the plus strand (C>G on the coding strand, the complement: PARN is on the minus strand). VCF-style: chr16-14582198-G-C. GRCh37 (hg19) VCF-style: chr16-14676055-G-C.
Other names: c.992C>G, p.Ser331Cys (NM_001134477.3); c.1037C>G, p.Ser346Cys (NM_001242992.2); short protein forms S346C, S331C, S392C.
Identifiers: ClinVar variation 4792132 (VCV004792132.1).

ClinVar aggregate classification (germline): Uncertain significance (1 of 4 stars; one submission).

Conditions:
Pulmonary fibrosis and/or bone marrow failure, Telomere-related, 4. Also called: PULMONARY FIBROSIS AND/OR BONE MARROW FAILURE SYNDROME, TELOMERE-RELATED, 4. Identifiers: Orphanet 2032, MedGen C4225347, MONDO:0014612, OMIM 616371.
Dyskeratosis congenita, autosomal recessive 6 (DKCB6). Identifiers: MedGen C4225356, MONDO:0014600, OMIM 616353.

Submission:

Labcorp Genetics (formerly Invitae), Labcorp
Classification: Uncertain significance for Dyskeratosis congenita, autosomal recessive 6; Pulmonary fibrosis and/or bone marrow failure, Telomere-related, 4. Last evaluated: 2025-03-18. Review status: criteria provided, single submitter. Criteria: Invitae Variant Classification Sherloc (09022015). Collection method: clinical testing. Allele origin: germline.
Comment: This sequence change replaces serine, which is neutral and polar, with cysteine, which is neutral and slightly polar, at codon 392 of the PARN protein (p.Ser392Cys). This variant is not present in population databases (gnomAD no frequency). This variant has not been reported in the literature in individuals affected with PARN-related conditions. Invitae Evidence Modeling of protein sequence and biophysical properties (such as structural, functional, and spatial information, amino acid conservation, physicochemical variation, residue mobility, and thermodynamic stability) indicates that this missense variant is not expected to disrupt PARN protein function with a negative predictive value of 80%. In summary, the available evidence is currently insufficient to determine the role of this variant in disease. Therefore, it has been classified as a Variant of Uncertain Significance.